The following is an entry in ClinVar:

ClinVar aggregate classification (germline): Uncertain significance (1 of 4 stars; one submission).

Submission:

Labcorp Genetics (formerly Invitae), Labcorp
Classification: Uncertain significance. Last evaluated: 2024-03-19. Review status: criteria provided, single submitter. Criteria: Invitae Variant Classification Sherloc (09022015). Collection method: clinical testing. Allele origin: germline.
Comment: This sequence change replaces valine, which is neutral and non-polar, with methionine, which is neutral and non-polar, at codon 269 of the LOX protein (p.Val269Met). This variant is not present in population databases (gnomAD no frequency). This variant has not been reported in the literature in individuals affected with LOX-related conditions. Advanced modeling of protein sequence and biophysical properties (such as structural, functional, and spatial information, amino acid conservation, physicochemical variation, residue mobility, and thermodynamic stability) has been performed at Invitae for this missense variant, however the output from this modeling did not meet the statistical confidence thresholds required to predict the impact of this variant on LOX protein function. In summary, the available evidence is currently insufficient to determine the role of this variant in disease. Therefore, it has been classified as a Variant of Uncertain Significance.

NM_002317.7(LOX):c.805G>A (p.Val269Met)

Genes: LOX (lysyl oxidase; minus strand), SRFBP1 (serum response factor binding protein 1; plus strand). Cytogenetic location: 5q23.1.
Variant type: single nucleotide variant.
Coding change: c.805G>A on transcript NM_002317.7 (MANE Select); coding-DNA position 805, G replaced by A.
Protein change: p.Val269Met; replaces valine 269 with methionine.
Molecular consequence: missense variant. On other transcripts: 5 prime UTR variant (1).
Genome position (GRCh38, 1-based): chr5:122,075,477, C>T on the plus strand (G>A on the coding strand, the complement: LOX is on the minus strand). VCF-style: chr5-122075477-C-T. GRCh37 (hg19) VCF-style: chr5-121411172-C-T.
Other names: c.115G>A, p.Val39Met (NM_001178102.2); c.-87G>A (NM_001317073.1); short protein forms V39M, V269M.
Identifiers: ClinVar variation 3646732 (VCV003646732.2).
Genomic context (GRCh38, chr5:122,075,477, plus strand): 5'-GCCATTCCCAGGAATATCTTGGTCGGCTGGGTAAGAAATCTGATGTCCCTTGGTTTTTCA[C>T]TCTTTGGGGAAATCTGAGCAGCACCCTGTGATCATAATCTCTGACATCTGCCCTGTATGC-3'
Protein context (NP_002308.2, residues 259-279): HRVLLRFPQR[Val269Met]KNQGTSDFLP